The following is an entry in ClinVar:

NM_001290060.2(SEMA3B):c.374G>A (p.Arg125His)

Gene: SEMA3B (semaphorin 3B; plus strand). Cytogenetic location: 3p21.31.
Variant type: single nucleotide variant.
Coding change: c.374G>A on transcript NM_001290060.2 (MANE Select); coding-DNA position 374, G replaced by A.
Protein change: p.Arg125His; replaces arginine 125 with histidine.
Molecular consequence: missense variant.
Genome position (GRCh38, 1-based): chr3:50,270,933, G>A. VCF-style: chr3-50270933-G-A. GRCh37 (hg19) VCF-style: chr3-50308364-G-A.
Other names: c.374G>A, p.Arg125His (NM_001005914.3, NM_001290061.1, NM_004636.4); short protein forms R125H.
Identifiers: ClinVar variation 3352292 (VCV003352292.1).

ClinVar aggregate classification (germline): Uncertain significance (0 of 4 stars; one submission).

Conditions:
SEMA3B-related disorder. Also called: SEMA3B-related condition.

gnomAD v4.1: 35 of 1,610,988 alleles (0.0022%); highest among the groups gnomAD compares: South Asian, 0.013%; no homozygotes.

Submission:

PreventionGenetics, part of Exact Sciences
Classification: Uncertain significance for SEMA3B-related condition. Last evaluated: 2024-08-28. Review status: no assertion criteria provided. Collection method: clinical testing. Allele origin: germline.
Comment: The SEMA3B c.374G>A variant is predicted to result in the amino acid substitution p.Arg125His. To our knowledge, this variant has not been reported in the literature. This variant is reported in 0.013% of alleles in individuals of South Asian descent in gnomAD. At this time, the clinical significance of this variant is uncertain due to the absence of conclusive functional and genetic evidence.